The following is an entry in ClinVar:

ClinVar aggregate classification (germline): Uncertain significance. Review status: criteria provided, multiple submitters, no conflicts (2 of 4 stars). 2 submissions from 2 submitters: Uncertain significance (2). Last evaluated 2023-03-22.

Conditions:
Hypercalcemia, infantile, 2 (HCINF2). Identifiers: Orphanet 300547, MedGen C4310473, MONDO:0014851, OMIM 616963.

Allele frequency attached by ClinVar (database versions not stated): TOPMed below 0.00001; gnomAD 0.00001.
gnomAD v4.1: 30 of 1,609,272 alleles (0.0019%); highest among the groups gnomAD compares: Non-Finnish European, 0.0025%; no homozygotes.

Submissions (2):

Institute of Human Genetics, University of Leipzig Medical Center
Classification: Uncertain significance for Hypercalcemia, infantile, 2. Last evaluated: 2023-03-22. Review status: criteria provided, single submitter. Criteria: ACMG Guidelines, 2015. Collection method: clinical testing. Allele origin: unknown. Affected: yes.
Comment: This variant was identified together with NM_003052.5:c.1416+5G>A._x000D_ Criteria applied: PM2_SUP, PP3

Labcorp Genetics (formerly Invitae), Labcorp
Classification: Uncertain significance. Last evaluated: 2022-12-30. Review status: criteria provided, single submitter. Criteria: Invitae Variant Classification Sherloc (09022015). Collection method: clinical testing. Allele origin: germline.
Comment: In summary, the available evidence is currently insufficient to determine the role of this variant in disease. Therefore, it has been classified as a Variant of Uncertain Significance. Variants that disrupt the consensus splice site are a relatively common cause of aberrant splicing (PMID: 17576681, 9536098). Algorithms developed to predict the effect of sequence changes on RNA splicing suggest that this variant may disrupt the consensus splice site. This variant has not been reported in the literature in individuals affected with SLC34A1-related conditions. This variant is present in population databases (no rsID available, gnomAD 0.002%). This sequence change falls in intron 6 of the SLC34A1 gene. It does not directly change the encoded amino acid sequence of the SLC34A1 protein. It affects a nucleotide within the consensus splice site.

Literature cited by the submitters: PubMed 17576681 (cited by Labcorp Genetics (formerly Invitae), Labcorp); PubMed 9536098 (cited by Labcorp Genetics (formerly Invitae), Labcorp).

NM_003052.5(SLC34A1):c.644+5G>A

Gene: SLC34A1 (solute carrier family 34 member 1; plus strand). Cytogenetic location: 5q35.3.
Variant type: single nucleotide variant.
Coding change: c.644+5G>A on transcript NM_003052.5 (MANE Select); 5 bases into the intron after coding-DNA position 644, G replaced by A.
Molecular consequence: intron variant.
Genome position (GRCh38, 1-based): chr5:177,387,878, G>A. VCF-style: chr5-177387878-G-A. GRCh37 (hg19) VCF-style: chr5-176814879-G-A.
Other names: c.644+5G>A (NM_001167579.2).
Identifiers: ClinVar variation 2500310 (VCV002500310.4), dbSNP rs1420848876, ClinGen allele CA564491976.